The following is an entry in ClinVar:

NM_004304.5(ALK):c.220C>A (p.Pro74Thr)

Gene: ALK (ALK receptor tyrosine kinase; minus strand). Cytogenetic location: 2p23.1.
Variant type: single nucleotide variant.
Coding change: c.220C>A on transcript NM_004304.5 (MANE Select); coding-DNA position 220, C replaced by A.
Protein change: p.Pro74Thr; replaces proline 74 with threonine.
Molecular consequence: missense variant.
Genome position (GRCh38, 1-based): chr2:29,920,440, G>T on the plus strand (C>A on the coding strand, the complement: ALK is on the minus strand). VCF-style: chr2-29920440-G-T. GRCh37 (hg19) VCF-style: chr2-30143306-G-T.
Other names: short protein forms P74T.
Identifiers: ClinVar variation 1787737 (VCV001787737.4), dbSNP rs1667963908, ClinGen allele CA346590461.
Genomic context (GRCh38, chr2:29,920,440, plus strand): 5'-CCAGAGCTAGCGAGCCGCGGGCCTCGGGCCTGCCAGCCTTCAGCTCCGAGGAGGATGGTG[G>T]CAGCAGTAGGTCCCGGGCGTAGACACGGAAGAGCGAGGGCACCACGAAGTCAACTGCCAG-3'
Protein context (NP_004295.2, residues 64-84): FRVYARDLLL[Pro74Thr]PSSSELKAGR

ClinVar aggregate classification (germline): Uncertain significance. Review status: criteria provided, multiple submitters, no conflicts (2 of 4 stars). 2 submissions from 2 submitters: Uncertain significance (2). Last evaluated 2025-12-13.

Conditions:
Hereditary cancer-predisposing syndrome. Also called: Tumor predisposition; Neoplastic Syndromes, Hereditary; Hereditary Cancer Syndrome; Hereditary neoplastic syndrome. Identifiers: Orphanet 140162, MedGen C0027672, MeSH D009386, MONDO:0015356.
Neuroblastoma, susceptibility to, 3. Also called: ALK-Related Neuroblastic Tumor Susceptibility. Identifiers: Orphanet 635, MedGen C2751681, MONDO:0013083, OMIM 613014.

Submissions (2):

Labcorp Genetics (formerly Invitae), Labcorp
Classification: Uncertain significance for Neuroblastoma, susceptibility to, 3. Last evaluated: 2025-12-13. Review status: criteria provided, single submitter. Criteria: Invitae Variant Classification Sherloc (09022015). Collection method: clinical testing. Allele origin: germline.
Comment: This sequence change replaces proline, which is neutral and non-polar, with threonine, which is neutral and polar, at codon 74 of the ALK protein (p.Pro74Thr). This variant is not present in population databases (gnomAD no frequency). This variant has not been reported in the literature in individuals affected with ALK-related conditions. ClinVar contains an entry for this variant (Variation ID: 1787737). An algorithm developed to predict the effect of missense changes on protein structure and function (PolyPhen-2) suggests that this variant is likely to be tolerated. In summary, the available evidence is currently insufficient to determine the role of this variant in disease. Therefore, it has been classified as a Variant of Uncertain Significance.

Ambry Genetics
Classification: Uncertain significance for Hereditary cancer-predisposing syndrome. Last evaluated: 2022-05-17. Review status: criteria provided, single submitter. Criteria: Ambry Variant Classification Scheme 2023. Collection method: clinical testing. Allele origin: germline.
Comment: The p.P74T variant (also known as c.220C>A), located in coding exon 1 of the ALK gene, results from a C to A substitution at nucleotide position 220. The proline at codon 74 is replaced by threonine, an amino acid with highly similar properties. This amino acid position is conserved. In addition, this alteration is predicted to be tolerated by in silico analysis. Since supporting evidence is limited at this time, the clinical significance of this alteration remains unclear.